The following is an entry in ClinVar:

NM_004064.5(CDKN1B):c.477T>G (p.Asp159Glu)

Gene: CDKN1B (cyclin dependent kinase inhibitor 1B; plus strand). Cytogenetic location: 12p13.1.
Variant type: single nucleotide variant.
Coding change: c.477T>G on transcript NM_004064.5 (MANE Select); coding-DNA position 477, T replaced by G.
Protein change: p.Asp159Glu; replaces aspartic acid 159 with glutamic acid.
Molecular consequence: missense variant.
Genome position (GRCh38, 1-based): chr12:12,718,826, T>G. VCF-style: chr12-12718826-T-G. GRCh37 (hg19) VCF-style: chr12-12871760-T-G.
Other names: c.477T>G (NM_004064.3); short protein forms D159E.
Identifiers: ClinVar variation 1421315 (VCV001421315.7), dbSNP rs2136357235, ClinGen allele CA383972498.

ClinVar aggregate classification (germline): Uncertain significance. Review status: criteria provided, multiple submitters, no conflicts (2 of 4 stars). 2 submissions from 2 submitters: Uncertain significance (2). Last evaluated 2025-07-01.

Conditions:
Multiple endocrine neoplasia type 4. Also called: MULTIPLE ENDOCRINE NEOPLASIA, TYPE IV. Identifiers: Orphanet 276152, MedGen C1970712, MONDO:0012552, OMIM 610755.
Hereditary cancer-predisposing syndrome. Also called: Hereditary neoplastic syndrome; Tumor predisposition; Hereditary Cancer Syndrome; Neoplastic Syndromes, Hereditary. Identifiers: Orphanet 140162, MedGen C0027672, MeSH D009386, MONDO:0015356.

Submissions (2):

Ambry Genetics
Classification: Uncertain significance for Hereditary cancer-predisposing syndrome. Last evaluated: 2025-07-01. Review status: criteria provided, single submitter. Criteria: Ambry Variant Classification Scheme 2023. Collection method: clinical testing. Allele origin: germline.
Comment: The p.D159E variant (also known as c.477T>G), located in coding exon 2 of the CDKN1B gene, results from a T to G substitution at nucleotide position 477. The aspartic acid at codon 159 is replaced by glutamic acid, an amino acid with highly similar properties. This amino acid position is conserved. In addition, this alteration is predicted to be tolerated by in silico analysis. Based on the available evidence, the clinical significance of this variant remains unclear.

Labcorp Genetics (formerly Invitae), Labcorp
Classification: Uncertain significance for Multiple endocrine neoplasia type 4. Last evaluated: 2024-02-23. Review status: criteria provided, single submitter. Criteria: Invitae Variant Classification Sherloc (09022015). Collection method: clinical testing. Allele origin: germline.
Comment: This sequence change replaces aspartic acid, which is acidic and polar, with glutamic acid, which is acidic and polar, at codon 159 of the CDKN1B protein (p.Asp159Glu). This variant is not present in population databases (gnomAD no frequency). This variant has not been reported in the literature in individuals affected with CDKN1B-related conditions. ClinVar contains an entry for this variant (Variation ID: 1421315). An algorithm developed to predict the effect of missense changes on protein structure and function (PolyPhen-2) suggests that this variant is likely to be disruptive. Experimental studies have shown that this missense change affects CDKN1B function (PMID: 26829051). In summary, the available evidence is currently insufficient to determine the role of this variant in disease. Therefore, it has been classified as a Variant of Uncertain Significance.

Literature cited by the submitters: PubMed 26829051 (cited by Labcorp Genetics (formerly Invitae), Labcorp).